The following is an entry in ClinVar:

ClinVar aggregate classification (germline): Conflicting classifications of pathogenicity. Review status: criteria provided, conflicting classifications (1 of 4 stars). 5 submissions from 5 submitters: Uncertain significance (1); Benign (1); Likely benign (2). 1 of the submissions does not count toward it. Last evaluated 2026-02-04.

Conditions:
Retinitis pigmentosa (RP). Identifiers: Orphanet 791, MedGen C0035334, MeSH D012174, MONDO:0019200, OMIM 268000. Inheritance: Autosomal dominant, autosomal recessive and X linked inheritance.
Retinal dystrophy. Also called: Inherited retinal dystrophy. Identifiers: Orphanet 71862, MedGen C0854723, MeSH D058499, MONDO:0019118, HP:0000556.

Allele frequency attached by ClinVar (database versions not stated): ESP Exome Variant Server 0.00101; gnomAD 0.00132 and 0.00140; TOPMed 0.00136; gnomAD exomes 0.00143; 1000 Genomes Project 30x 0.00156; 1000 Genomes Project 0.00160.
gnomAD v4.1: 2,123 of 1,459,924 alleles (0.15%); highest among the groups gnomAD compares: Middle Eastern, 0.41%; 10 homozygotes.

Submissions (5):

Labcorp Genetics (formerly Invitae), Labcorp
Classification: Benign. Last evaluated: 2026-02-04. Review status: criteria provided, single submitter. Criteria: Invitae Variant Classification Sherloc (09022015). Collection method: clinical testing. Allele origin: germline.

Blueprint Genetics
Classification: Likely benign. Last evaluated: 2024-11-07. Review status: criteria provided, single submitter. Criteria: ACMG Guidelines, 2015. Collection method: clinical testing. Allele origin: germline.

Illumina Laboratory Services, Illumina
Classification: Uncertain significance for Retinitis pigmentosa. Last evaluated: 2018-01-13. Review status: criteria provided, single submitter. Criteria: ICSL Variant Classification Criteria 13 December 2019. Collection method: clinical testing. Allele origin: germline.

GeneDx
Classification: Likely benign. Last evaluated: 2017-07-05. Review status: criteria provided, single submitter. Criteria: GeneDx Variant Classification (06012015). Collection method: clinical testing. Allele origin: germline. Affected: yes.
Comment: This variant is considered likely benign or benign based on one or more of the following criteria: it is a conservative change, it occurs at a poorly conserved position in the protein, it is predicted to be benign by multiple in silico algorithms, and/or has population frequency not consistent with disease.

Institute of Human Genetics, Univ. Regensburg, Univ. Regensburg
Classification: Uncertain significance for Retinal dystrophy. Last evaluated: 2014-01-01. Review status: no assertion criteria provided. Criteria: ACMG Guidelines, 2015. Collection method: clinical testing. Allele origin: germline. Affected: yes. Not counted in ClinVar's aggregate classification.

NM_001142800.2(EYS):c.1184+14T>C

Gene: EYS (EGF-like photoreceptor maintenance factor; minus strand). Cytogenetic location: 6q12.
Variant type: single nucleotide variant.
Coding change: c.1184+14T>C on transcript NM_001142800.2 (MANE Select); 14 bases into the intron after coding-DNA position 1184, T replaced by C.
Molecular consequence: intron variant.
Genome position (GRCh38, 1-based): chr6:65,402,464, A>G on the plus strand (T>C on the coding strand, the complement: EYS is on the minus strand). VCF-style: chr6-65402464-A-G. GRCh37 (hg19) VCF-style: chr6-66112357-A-G.
Other names: c.1184+14T>C (NM_001292009.2, NM_001142801.2, NM_198283.2).
Identifiers: ClinVar variation 357743 (VCV000357743.15), dbSNP rs182780299, ClinGen allele CA3877846.